The following is an entry in ClinVar:

NM_014000.3(VCL):c.1379G>C (p.Arg460Pro)

Gene: VCL (vinculin; plus strand). Cytogenetic location: 10q22.2.
Variant type: single nucleotide variant.
Coding change: c.1379G>C on transcript NM_014000.3 (MANE Select); coding-DNA position 1379, G replaced by C.
Protein change: p.Arg460Pro; replaces arginine 460 with proline.
Molecular consequence: missense variant.
Genome position (GRCh38, 1-based): chr10:74,094,297, G>C. VCF-style: chr10-74094297-G-C. GRCh37 (hg19) VCF-style: chr10-75854055-G-C.
Other names: c.1379G>C, p.Arg460Pro (NM_003373.4); short protein forms R460P.
Identifiers: ClinVar variation 2584583 (VCV002584583.2), dbSNP rs753026034, ClinGen allele CA5562998.

ClinVar aggregate classification (germline): Uncertain significance. Review status: criteria provided, multiple submitters, no conflicts (2 of 4 stars). 2 submissions from 2 submitters: Uncertain significance (2). Last evaluated 2026-08-13.

Conditions:
Dilated cardiomyopathy 1W (CMD1W). Identifiers: Orphanet 154, MedGen C1969639, MONDO:0012667, OMIM 611407.
Hypertrophic cardiomyopathy 15. Identifiers: MedGen C2750459, MONDO:0013200, OMIM 613255.
Cardiovascular phenotype. Identifiers: MedGen CN230736.

Submissions (2):

Ambry Genetics
Classification: Uncertain significance for Cardiovascular phenotype. Last evaluated: 2026-08-13. Review status: criteria provided, single submitter. Criteria: Ambry Variant Classification Scheme 2023. Collection method: clinical testing. Allele origin: germline.
Comment: The p.R460P variant (also known as c.1379G>C), located in coding exon 11 of the VCL gene, results from a G to C substitution at nucleotide position 1379. The arginine at codon 460 is replaced by proline, an amino acid with dissimilar properties. This amino acid position is highly conserved in available vertebrate species. In addition, the in silico prediction for this alteration is inconclusive. Based on the available evidence, the clinical significance of this variant remains unclear.

New York Genome Center
Classification: Uncertain significance for Dilated cardiomyopathy 1W; Hypertrophic cardiomyopathy 15. Last evaluated: 2023-02-24. Review status: criteria provided, single submitter. Criteria: NYGC Assertion Criteria 2020. Collection method: clinical testing. Allele origin: germline. Observed: 1 heterozygote.
Comment: The c.1379G>C p.(Arg460Pro) variant identified in the VCL gene leads to the substitution of a well conserved Arginine for Proline at amino acid 460/1135 (exon 11/22). This variant is found with low frequency in population databases (gnomADv2.1.1, gnomADv3.1.2, BRAVO-TOPMed, All of US) with allele frequency 6.13e-5. In silico algorithms do not predict this variant to be damaging to protein function (REVEL; score=0.421). This variant is absent from ClinVar and to our current knowledge has not been reported in affected individuals in the literature. Given the lack of compelling evidence for its pathogenicity, the c.1379G>C p.(Arg460Pro) variant identified in the VCL gene is reported as a Variant of Uncertain Significance.